The following is an entry in ClinVar:

ClinVar aggregate classification (germline): drug response (1 of 4 stars; one submission).

Conditions:
Mercaptopurine response. Also called: 6-Mercaptopurine response; Purinethol response. Identifiers: MedGen CN077995.

gnomAD v4.1: 1 of 1,612,724 alleles (0.000062%); highest among the groups gnomAD compares: Non-Finnish European, 0.000085%; no homozygotes.

Submission:

Medical Genetics Summaries
Classification: drug response for Mercaptopurine response. Last evaluated: 2026-04-11. Review status: criteria provided, single submitter. Criteria: Pratt et al. (J Mol Diagn. 2022). Collection method: curation. Allele origin: germline. Affected: yes.
Comment: Individuals with two reduced or no function alleles of TMPT or NUDT15 or both are at high risk of adverse reaction to mercaptopurine (used to treat ALL, IBD) when used at standard doses.

Literature cited by the submitters: PubMed 41618934.

NM_000367.5(TPMT):c.395G>A (p.Cys132Tyr)

Gene: TPMT (thiopurine S-methyltransferase; minus strand). Cytogenetic location: 6p22.3.
Variant type: single nucleotide variant.
Coding change: c.395G>A on transcript NM_000367.5 (MANE Select); coding-DNA position 395, G replaced by A.
Protein change: p.Cys132Tyr; replaces cysteine 132 with tyrosine.
Molecular consequence: missense variant.
Genome position (GRCh38, 1-based): chr6:18,139,689, C>T on the plus strand (G>A on the coding strand, the complement: TPMT is on the minus strand). VCF-style: chr6-18139689-C-T. GRCh37 (hg19) VCF-style: chr6-18139920-C-T.
Other names: c.395G>A, p.Cys132Tyr (NM_001346817.1, NM_001346818.1); short protein forms C132Y.
Identifiers: ClinVar variation 3366869 (VCV003366869.1), dbSNP rs72552738.